The following is an entry in ClinVar:

ClinVar aggregate classification (germline): Pathogenic (1 of 4 stars; one submission).

Conditions:
Combined molybdoflavoprotein enzyme deficiency (MOCOD). Also called: Combined deficiency of sulfite oxidase, xanthine dehydrogenase, and aldehyde oxidase; Sulfite oxidase deficiency due to molybdenum cofactor deficiency; Molybdenum cofactor deficiency. Identifiers: Orphanet 833, Orphanet 99732, MedGen C0268119, MONDO:0020480, HP:0003570.

Submission:

Women's Health and Genetics/Laboratory Corporation of America, LabCorp
Classification: Pathogenic for Combined molybdoflavoprotein enzyme deficiency. Last evaluated: 2025-09-08. Review status: criteria provided, single submitter. Criteria: LabCorp Variant Classification Summary - May 2015. Collection method: clinical testing. Allele origin: germline.
Comment: Variant summary: The variant involves the deletion of exons 3-7 in the MOCS2 gene. The MOCS2 gene is bicistronic, with overlapping and shifted open reading frames (ORFs) encoding MOCS2A and MOCS2B. A presumed nomenclature of MOCS2B (NM_004531) c.(-48+1_-47-1)_(*2924_?)del has been designated for the purposes of this classification. This variant corresponds to MOCS2A (NM_176806) c.(140+1_141-1)_(*18+1_*19-1)del. This variant removes the whole coding sequence of the MOCS2B protein, and the C-terminal part (the last coding exon) of the MOCS2A protein. The variant was absent in 120780 control chromosomes in the gnomAD database (v4.1 dataset). To our knowledge, no occurrence of c.(-48+1_-47-1)_(*2924_?)del in individuals affected with MOCS2-related conditions and no experimental evidence demonstrating its impact on protein function have been reported. No submitters have cited clinical-significance assessments for this variant to ClinVar. Please note, this variant is also classified as a Variant of Uncertain Significance in MOCS2A. Loss-of-function variants in MOCS2B are known to be pathogenic (PMID: 21031595). Based on the evidence outlined above, the variant was classified as pathogenic.

NC_000005.9:g.(?_52391508)_(52403052_52404351)del

Gene: MOCS2 (molybdenum cofactor synthesis 2; minus strand). Cytogenetic location: 5q11.2.
Variant type: Deletion.
Identifiers: ClinVar variation 4535652 (VCV004535652.1).